The following is an entry in ClinVar:

NM_080680.3(COL11A2):c.4010C>T (p.Ala1337Val)

Gene: COL11A2 (collagen type XI alpha 2 chain; minus strand). Cytogenetic location: 6p21.32.
Variant type: single nucleotide variant.
Coding change: c.4010C>T on transcript NM_080680.3 (MANE Select); coding-DNA position 4010, C replaced by T.
Protein change: p.Ala1337Val; replaces alanine 1337 with valine.
Molecular consequence: missense variant.
Genome position (GRCh38, 1-based): chr6:33,167,803, G>A on the plus strand (C>T on the coding strand, the complement: COL11A2 is on the minus strand). VCF-style: chr6-33167803-G-A. GRCh37 (hg19) VCF-style: chr6-33135580-G-A.
Other names: c.3689C>T, p.Ala1230Val (NM_080679.3); c.3752C>T, p.Ala1251Val (NM_080681.3); short protein forms A1230V, A1251V, A1337V.
Identifiers: ClinVar variation 1313937 (VCV001313937.5), dbSNP rs756855492, ClinGen allele CA3750268.

ClinVar aggregate classification (germline): Conflicting classifications of pathogenicity. Review status: criteria provided, conflicting classifications (1 of 4 stars). 2 submissions from 2 submitters: Uncertain significance (1); Likely benign (1). Last evaluated 2023-09-08.

Allele frequency attached by ClinVar (database versions not stated): gnomAD exomes 0.00002; ExAC 0.00004.
gnomAD v4.1: 11 of 1,612,802 alleles (0.00068%); highest among the groups gnomAD compares: East Asian, 0.0022%; no homozygotes.

Submissions (2):

Labcorp Genetics (formerly Invitae), Labcorp
Classification: Likely benign. Last evaluated: 2023-09-08. Review status: criteria provided, single submitter. Criteria: Invitae Variant Classification Sherloc (09022015). Collection method: clinical testing. Allele origin: germline.

GeneDx
Classification: Uncertain significance. Last evaluated: 2021-01-13. Review status: criteria provided, single submitter. Criteria: GeneDx Variant Classification Process June 2021. Collection method: clinical testing. Allele origin: germline. Affected: yes.
Comment: Has not been previously published as pathogenic or benign to our knowledge; Not observed at a significant frequency in large population cohorts (Lek et al., 2016); In silico analysis supports that this missense variant has a deleterious effect on protein structure/function